The following is an entry in ClinVar:

NM_024306.5(FA2H):c.*34G>A

Gene: FA2H (fatty acid 2-hydroxylase; minus strand). Cytogenetic location: 16q23.1.
Variant type: single nucleotide variant.
Coding change: c.*34G>A on transcript NM_024306.5 (MANE Select); 34 bases downstream of the stop codon, G replaced by A.
Molecular consequence: 3 prime UTR variant.
Genome position (GRCh38, 1-based): chr16:74,714,156, C>T on the plus strand (G>A on the coding strand, the complement: FA2H is on the minus strand). VCF-style: chr16-74714156-C-T. GRCh37 (hg19) VCF-style: chr16-74748054-C-T.
Identifiers: ClinVar variation 320490 (VCV000320490.8), dbSNP rs75856125, ClinGen allele CA8170291.

ClinVar aggregate classification (germline): Benign/Likely benign. Review status: criteria provided, multiple submitters, no conflicts (2 of 4 stars). 3 submissions from 3 submitters: Benign (1); Likely benign (2). Last evaluated 2019-11-23.

Conditions:
Hereditary spastic paraplegia 35. Also called: Spastic paraplegia 35; SPASTIC PARAPLEGIA 35, AUTOSOMAL RECESSIVE, WITH OR WITHOUT NEURODEGENERATION; LEUKODYSTROPHY, DYSMYELINATING, AND SPASTIC PARAPARESIS WITH OR WITHOUT DYSTONIA; Spastic paraplegia 35, autosomal recessive. Identifiers: Orphanet 171629, MedGen C3496228, MONDO:0012866, OMIM 612319.

Allele frequency attached by ClinVar (database versions not stated): gnomAD exomes 0.00144; ExAC 0.00301; 1000 Genomes Project 0.00479; 1000 Genomes Project 30x 0.00500; gnomAD 0.00543 and 0.00592; ESP Exome Variant Server 0.00616; TOPMed 0.00629.
gnomAD v4.1: 1,579 of 1,428,696 alleles (0.11%); highest among the groups gnomAD compares: African/African-American, 1.9%; 14 homozygotes.

Submissions (3):

GeneDx
Classification: Likely benign. Last evaluated: 2019-11-23. Review status: criteria provided, single submitter. Criteria: GeneDx Variant Classification Process June 2021. Collection method: clinical testing. Allele origin: germline. Affected: yes.

Illumina Laboratory Services, Illumina
Classification: Benign for Hereditary spastic paraplegia 35. Last evaluated: 2018-01-13. Review status: criteria provided, single submitter. Criteria: ICSL Variant Classification Criteria 13 December 2019. Collection method: clinical testing. Allele origin: germline.
Comment: This variant was observed in the ICSL laboratory as part of a predisposition screen in an ostensibly healthy population. It had not been previously curated by ICSL or reported in the Human Gene Mutation Database (HGMD: prior to June 1st, 2018), and was therefore a candidate for classification through an automated scoring system. Utilizing variant allele frequency, disease prevalence and penetrance estimates, and inheritance mode, an automated score was calculated to assess if this variant is too frequent to cause the disease. Based on the score and internal cut-off values, a variant classified as benign is not then subjected to further curation. The score for this variant resulted in a classification of benign for this disease.

Breakthrough Genomics
Classification: Likely benign. Review status: criteria provided, single submitter. Criteria: ACMG Guidelines, 2015. Collection method: not provided. Allele origin: germline. Inheritance: Autosomal recessive inheritance. Affected: yes.